The following is an entry in ClinVar:

ClinVar aggregate classification (germline): Uncertain significance (1 of 4 stars; one submission).

Allele frequency attached by ClinVar (database versions not stated): gnomAD 0.00001; TOPMed 0.00001.
gnomAD v4.1: 1 of 1,612,864 alleles (0.000062%); highest among the groups gnomAD compares: Non-Finnish European, 0.000085%; no homozygotes.

Submission:

Labcorp Genetics (formerly Invitae), Labcorp
Classification: Uncertain significance. Last evaluated: 2024-01-26. Review status: criteria provided, single submitter. Criteria: Invitae Variant Classification Sherloc (09022015). Collection method: clinical testing. Allele origin: germline.
Comment: This sequence change replaces threonine, which is neutral and polar, with lysine, which is basic and polar, at codon 362 of the POLG2 protein (p.Thr362Lys). This variant is present in population databases (no rsID available, gnomAD 0.0009%). This variant has not been reported in the literature in individuals affected with POLG2-related conditions. An algorithm developed to predict the effect of missense changes on protein structure and function (PolyPhen-2) suggests that this variant is likely to be tolerated. In summary, the available evidence is currently insufficient to determine the role of this variant in disease. Therefore, it has been classified as a Variant of Uncertain Significance.

NM_007215.4(POLG2):c.1085C>A (p.Thr362Lys)

Genes: MILR1 (mast cell immunoglobulin like receptor 1; plus strand), POLG2 (DNA polymerase gamma 2, accessory subunit; minus strand). Cytogenetic location: 17q23.3.
Variant type: single nucleotide variant.
Coding change: c.1085C>A on transcript NM_007215.4 (MANE Select); coding-DNA position 1085, C replaced by A.
Protein change: p.Thr362Lys; replaces threonine 362 with lysine.
Molecular consequence: missense variant.
Genome position (GRCh38, 1-based): chr17:64,485,753, G>T on the plus strand (C>A on the coding strand, the complement: POLG2 is on the minus strand). VCF-style: chr17-64485753-G-T. GRCh37 (hg19) VCF-style: chr17-62481870-G-T.
Other names: short protein forms T362K.
Identifiers: ClinVar variation 2908294 (VCV002908294.3), dbSNP rs1316425629, ClinGen allele CA400637918.
Genomic context (GRCh38, chr17:64,485,753, plus strand): 5'-GTTTCCCAAGTCTATCTCTGAAATATCAACAGCACCTTTCTATGAAGATTTTTCTTTCTT[G>T]TAAAGGAGTTCTCTGTCAGCTGGAAAGAATCATAGAGGTAGGCCAGCATGCCTCGGTCTA-3'
Protein context (NP_009146.2, residues 352-372): DSFQLTENSF[Thr362Lys]RKKNLHRKVL